The following is an entry in ClinVar:

ClinVar aggregate classification (germline): Likely benign. Review status: criteria provided, multiple submitters, no conflicts (2 of 4 stars). 4 submissions from 4 submitters: Likely benign (3). 1 of the submissions does not count toward it. Last evaluated 2025-11-12.

Conditions:
Atrioventricular septal defect, susceptibility to, 2. Identifiers: MedGen C1853508, MONDO:0011650, OMIM 606217.

Allele frequency attached by ClinVar (database versions not stated): ExAC 0.00040; 1000 Genomes Project 30x 0.00047; gnomAD exomes 0.00050 and 0.00080; gnomAD 0.00054 and 0.00055; 1000 Genomes Project 0.00060; TOPMed 0.00066.
gnomAD v4.1: 1,245 of 1,613,940 alleles (0.077%); highest among the groups gnomAD compares: Non-Finnish European, 0.094%; no homozygotes.

Submissions (4):

Labcorp Genetics (formerly Invitae), Labcorp
Classification: Likely benign for Atrioventricular septal defect, susceptibility to, 2. Last evaluated: 2025-11-12. Review status: criteria provided, single submitter. Criteria: Invitae Variant Classification Sherloc (09022015). Collection method: clinical testing. Allele origin: germline.

Blueprint Genetics
Classification: Likely benign. Last evaluated: 2024-10-31. Review status: criteria provided, single submitter. Criteria: ACMG Guidelines, 2015. Collection method: clinical testing. Allele origin: germline.

GeneDx
Classification: Likely benign. Last evaluated: 2023-01-27. Review status: criteria provided, single submitter. Criteria: GeneDx Variant Classification Process June 2021. Collection method: clinical testing. Allele origin: germline. Affected: yes.
Comment: See Variant Classification Assertion Criteria.

OMIM
Classification: risk factor for ATRIOVENTRICULAR SEPTAL DEFECT, SUSCEPTIBILITY TO, 2. Last evaluated: 2003-04-01. Review status: no assertion criteria provided. Collection method: literature only. Allele origin: germline. Not counted in ClinVar's aggregate classification.

Literature cited by the submitters: PubMed 12632326 (cited by OMIM).

NM_001077415.3(CRELD1):c.932C>T (p.Thr311Ile)

Gene: CRELD1 (CRELD disulfide isomerase 1; plus strand). Cytogenetic location: 3p25.3.
Variant type: single nucleotide variant.
Coding change: c.932C>T on transcript NM_001077415.3 (MANE Select); coding-DNA position 932, C replaced by T.
Protein change: p.Thr311Ile; replaces threonine 311 with isoleucine.
Molecular consequence: missense variant. On other transcripts: non-coding transcript variant (3).
Genome position (GRCh38, 1-based): chr3:9,943,399, C>T. VCF-style: chr3-9943399-C-T. GRCh37 (hg19) VCF-style: chr3-9985083-C-T.
Other names: c.932C>T, p.Thr311Ile (NM_001031717.4, NM_001374316.1, NM_001374317.1 and 2 more transcripts); c.848C>T, p.Thr283Ile (NM_001374319.1, NM_001374320.1); short protein forms T311I, T283I.
Identifiers: ClinVar variation 3428 (VCV000003428.14), dbSNP rs28942092, ClinGen allele CA116206.